The following is an entry in ClinVar:

ClinVar aggregate classification (germline): Pathogenic (1 of 4 stars; one submission).

Submission:

Labcorp Genetics (formerly Invitae), Labcorp
Classification: Pathogenic. Last evaluated: 2022-03-09. Review status: criteria provided, single submitter. Criteria: Invitae Variant Classification Sherloc (09022015). Collection method: clinical testing. Allele origin: germline.
Comment: For these reasons, this variant has been classified as Pathogenic. Algorithms developed to predict the effect of sequence changes on RNA splicing suggest that this variant may disrupt the consensus splice site. This variant has not been reported in the literature in individuals affected with POC1B-related conditions. This variant is not present in population databases (gnomAD no frequency). This sequence change creates a premature translational stop signal (p.Glu411Argfs*4) in the POC1B gene. It is expected to result in an absent or disrupted protein product. Loss-of-function variants in POC1B are known to be pathogenic (PMID: 25018096, 29220607).

Literature cited by the submitters: PubMed 25018096; PubMed 29220607.

NM_172240.3(POC1B):c.1231_1232del (p.Glu411fs)

Genes: POC1B (POC1 centriolar protein B; minus strand), POC1B-DUSP6 (POC1B-DUSP6 readthrough; minus strand). Cytogenetic location: 12q21.33.
Variant type: Deletion.
Coding change: c.1231_1232del on transcript NM_172240.3 (MANE Select); coding-DNA positions 1231 to 1232, 2 bases deleted (GA; older notation c.1231_1232delGA).
Protein change: p.Glu411fs; shifts the reading frame from glutamic acid 411.
Molecular consequence: frameshift variant. On other transcripts: non-coding transcript variant (2).
Genome position (GRCh38, 1-based): chr12:89,425,261-89,425,262, TC deleted on the plus strand (GA on the coding strand, the reverse complement: POC1B is on the minus strand); deleting any 2 consecutive bases within chr12:89,425,261-89,425,263 gives the same sequence; the c. name uses the placement nearest the transcript's 3' end. VCF-style (leftmost placement, unchanged base first): chr12-89425260-TTC-T. GRCh37 (hg19) VCF-style: chr12-89819037-TTC-T.
Other names: c.1105_1106del, p.Glu369fs (NM_001199777.2); short protein forms E411fs, E369fs.
Identifiers: ClinVar variation 2089306 (VCV002089306.4), dbSNP rs2540364734, ClinGen allele CA2580086738.